The following is an entry in ClinVar:

NM_024675.4(PALB2):c.48+311C>T

Gene: PALB2 (partner and localizer of BRCA2; minus strand). Cytogenetic location: 16p12.2.
Variant type: single nucleotide variant.
Coding change: c.48+311C>T on transcript NM_024675.4 (MANE Select); 311 bases into the intron after coding-DNA position 48, C replaced by T.
Molecular consequence: intron variant. On other transcripts: 5 prime UTR variant (2).
Genome position (GRCh38, 1-based): chr16:23,640,799, G>A on the plus strand (C>T on the coding strand, the complement: PALB2 is on the minus strand). VCF-style: chr16-23640799-G-A. GRCh37 (hg19) VCF-style: chr16-23652120-G-A.
Other names: c.-1385C>T (NM_001407304.1, NM_001407310.1); c.-838+328C>T (NM_001407308.1, NM_001407306.1); c.48+311C>T (NM_001407314.1, NM_001407296.1, NM_001407297.1 and 5 more transcripts); c.-105+311C>T (NM_001407313.1, NM_001407312.1); c.-972+311C>T (NM_001407307.1, NM_001407309.1, NM_001407311.1 and 1 more transcripts).
Identifiers: ClinVar variation 4083973 (VCV004083973.8).

ClinVar aggregate classification (germline): Benign (1 of 4 stars; one submission).

gnomAD v4.1: 2,526 of 340,812 alleles (0.74%); highest among the groups gnomAD compares: Non-Finnish European, 1.1%; 14 homozygotes.

Submission:

CeGaT Center for Human Genetics Tuebingen
Classification: Benign. Last evaluated: 2026-09-01. Review status: criteria provided, single submitter. Criteria: CeGaT Center For Human Genetics Tuebingen Variant Classification Criteria Version 2. Collection method: clinical testing. Allele origin: germline. Affected: yes. Observed: 24 variant alleles.
Comment: PALB2: BS1, BS2